The following is an entry in ClinVar:

ClinVar aggregate classification (germline): Likely benign (0 of 4 stars; one submission).

Conditions:
ZNF711-related disorder. Also called: ZNF711-related condition.

Submission:

PreventionGenetics, part of Exact Sciences
Classification: Likely benign for ZNF711-related condition. Last evaluated: 2019-10-04. Review status: no assertion criteria provided. Collection method: clinical testing. Allele origin: germline.
Comment: This variant is classified as likely benign based on ACMG/AMP sequence variant interpretation guidelines (Richards et al. 2015 PMID: 25741868, with internal and published modifications).

NM_001330574.2(ZNF711):c.1055-7_1055-3dup

Gene: ZNF711 (zinc finger protein 711; plus strand). Cytogenetic location: Xq21.1.
Variant type: Duplication.
Coding change: c.1055-7_1055-3dup on transcript NM_001330574.2 (MANE Select); 7 bases into the intron before coding-DNA position 1055 through 3 bases into the intron before coding-DNA position 1055, 5 bases duplicated (TTTTT; older notation c.1055-7_1055-3dupTTTTT).
Molecular consequence: intron variant.
Genome position (GRCh38, 1-based): chrX:85,268,287-85,268,291, TTTTT duplicated; duplicating any 5 consecutive bases within chrX:85,268,269-85,268,291 gives the same sequence; the c. name uses the placement nearest the transcript's 3' end. VCF-style (leftmost placement, unchanged base first): chrX-85268268-C-CTTTTT. GRCh37 (hg19) VCF-style: chrX-84523274-C-CTTTTT.
Other names: c.1055-7_1055-3dup (NM_001375433.1, NM_001375432.1, NM_001375431.1); c.917-7_917-3dup (NM_001375435.1, NM_001375436.1, NM_001375437.1 and 2 more transcripts).
Identifiers: ClinVar variation 3045948 (VCV003045948.2), dbSNP rs753221892, ClinGen allele CA642967397.